The following is an entry in ClinVar:

NM_000297.4(PKD2):c.295G>T (p.Glu99Ter)

Genes: PKD2 (polycystin 2, transient receptor potential cation channel; plus strand), LOC129992813 (ATAC-STARR-seq lymphoblastoid silent region 15559; plus strand). Cytogenetic location: 4q22.1.
Variant type: single nucleotide variant.
Coding change: c.295G>T on transcript NM_000297.4 (MANE Select); coding-DNA position 295, G replaced by T.
Protein change: p.Glu99Ter; replaces glutamic acid 99 with a stop codon.
Molecular consequence: nonsense. On other transcripts: non-coding transcript variant (1).
Genome position (GRCh38, 1-based): chr4:88,008,028, G>T. VCF-style: chr4-88008028-G-T. GRCh37 (hg19) VCF-style: chr4-88929180-G-T.
Other names: short protein forms E99*.
Identifiers: ClinVar variation 827765 (VCV000827765.5), dbSNP rs1578111378, ClinGen allele CA357626067.
Genomic context (GRCh38, chr4:88,008,028, plus strand): 5'-CTCTCGTCGTGCTCCCGGCAGGCGTGGAGCCGCGATAACCCCGGCTTCGAGGCCGAGGAG[G>T]AGGAGGAGGAGGTGGAAGGGGAAGAAGGCGGAATGGTGGTGGAGATGGACGTAGAGTGGC-3'

ClinVar aggregate classification (germline): Pathogenic/Likely pathogenic. Review status: criteria provided, multiple submitters, no conflicts (2 of 4 stars). 3 submissions from 3 submitters: Pathogenic (2); Likely pathogenic (1). Last evaluated 2024-04-08.

Conditions:
Polycystic kidney disease 2 (PKD2). Also called: POLYCYSTIC KIDNEY DISEASE, ADULT, TYPE II; Polycystic Kidney Disease 2, Autosomal Dominant; POLYCYSTIC KIDNEY DISEASE 2 WITH OR WITHOUT POLYCYSTIC LIVER DISEASE. Identifiers: MedGen C2751306, MONDO:0013131, OMIM 613095.
Autosomal dominant polycystic kidney disease. Identifiers: Orphanet 730, MedGen C0085413, MONDO:0004691.

Submissions (3):

Department of Pathology and Laboratory Medicine, Sinai Health System
Classification: Pathogenic for Polycystic kidney disease 2. Last evaluated: 2024-04-08. Review status: criteria provided, single submitter. Criteria: ACMG Guidelines, 2015. Collection method: clinical testing. Allele origin: germline.

Labcorp Genetics (formerly Invitae), Labcorp
Classification: Pathogenic for Autosomal dominant polycystic kidney disease. Last evaluated: 2024-03-27. Review status: criteria provided, single submitter. Criteria: Invitae Variant Classification Sherloc (09022015). Collection method: clinical testing. Allele origin: germline.
Comment: This sequence change creates a premature translational stop signal (p.Glu99*) in the PKD2 gene. It is expected to result in an absent or disrupted protein product. Loss-of-function variants in PKD2 are known to be pathogenic (PMID: 17582161, 22863349). This variant is not present in population databases (gnomAD no frequency). This premature translational stop signal has been observed in individual(s) with clinical features of PKD2-related conditions (PMID: 35627274). ClinVar contains an entry for this variant (Variation ID: 827765). For these reasons, this variant has been classified as Pathogenic.

(GEEPAD) Grupo de Estudio de la Enfermedad Poliquística Autosómica Dominante, Hospitales Universitarios Virgen de las Nieves y San Cecilio (Granada)
Classification: Likely pathogenic for Polycystic kidney disease 2. Last evaluated: 2020-02-27. Review status: criteria provided, single submitter. Criteria: ACMG Guidelines, 2015. Collection method: clinical testing. Allele origin: germline. Inheritance: Autosomal dominant inheritance. Affected: yes. Observed: 6 variant alleles, 6 heterozygotes.
Comment: We have identified 6 affected cases of polycystic kidney disease in three unrelated families in the south coast of Spain.

Literature cited by the submitters: PubMed 17582161 (cited by Labcorp Genetics (formerly Invitae), Labcorp); PubMed 22863349 (cited by Labcorp Genetics (formerly Invitae), Labcorp); PubMed 35627274 (cited by Labcorp Genetics (formerly Invitae), Labcorp).